The following is an entry in ClinVar:

NM_018082.6(POLR3B):c.715A>C (p.Ile239Leu)

Gene: POLR3B (RNA polymerase III subunit B; plus strand). Cytogenetic location: 12q23.3.
Variant type: single nucleotide variant.
Coding change: c.715A>C on transcript NM_018082.6 (MANE Select); coding-DNA position 715, A replaced by C.
Protein change: p.Ile239Leu; replaces isoleucine 239 with leucine.
Molecular consequence: missense variant.
Genome position (GRCh38, 1-based): chr12:106,380,131, A>C. VCF-style: chr12-106380131-A-C. GRCh37 (hg19) VCF-style: chr12-106773909-A-C.
Other names: c.541A>C, p.Ile181Leu (NM_001160708.2); short protein forms I181L, I239L.
Identifiers: ClinVar variation 2609055 (VCV002609055.2), dbSNP rs2036739903, ClinGen allele CA386387035.

ClinVar aggregate classification (germline): Uncertain significance (1 of 4 stars; one submission).

Conditions:
Inborn genetic diseases. Identifiers: MedGen C0950123, MeSH D030342.

Submission:

Ambry Genetics
Classification: Uncertain significance for Inborn genetic diseases. Last evaluated: 2023-08-01. Review status: criteria provided, single submitter. Criteria: Ambry Variant Classification Scheme 2023. Collection method: clinical testing. Allele origin: germline.
Comment: The c.715A>C (p.I239L) alteration is located in exon 9 (coding exon 9) of the POLR3B gene. This alteration results from an A to C substitution at nucleotide position 715, causing the isoleucine (I) at amino acid position 239 to be replaced by a leucine (L). This variant was not reported in population-based cohorts in the Genome Aggregation Database (gnomAD). This amino acid position is highly conserved in available vertebrate species. This alteration is predicted to be tolerated by in silico analysis. Based on insufficient or conflicting evidence, the clinical significance of this alteration remains unclear.